The following is an entry in ClinVar:

ClinVar aggregate classification (germline): Uncertain significance (1 of 4 stars; one submission).

gnomAD v4.1: 2 of 1,614,236 alleles (0.00012%); highest among the groups gnomAD compares: Admixed American, 0.0033%; no homozygotes.

Submission:

Labcorp Genetics (formerly Invitae), Labcorp
Classification: Uncertain significance. Last evaluated: 2023-06-15. Review status: criteria provided, single submitter. Criteria: Invitae Variant Classification Sherloc (09022015). Collection method: clinical testing. Allele origin: germline.
Comment: In summary, the available evidence is currently insufficient to determine the role of this variant in disease. Therefore, it has been classified as a Variant of Uncertain Significance. An algorithm developed to predict the effect of missense changes on protein structure and function (PolyPhen-2) suggests that this variant is likely to be tolerated. ClinVar contains an entry for this variant (Variation ID: 1355799). This variant has not been reported in the literature in individuals affected with HYOU1-related conditions. This variant is present in population databases (no rsID available, gnomAD 0.006%). This sequence change replaces glycine, which is neutral and non-polar, with alanine, which is neutral and non-polar, at codon 807 of the HYOU1 protein (p.Gly807Ala).

NM_006389.5(HYOU1):c.2420G>C (p.Gly807Ala)

Gene: HYOU1 (hypoxia up-regulated 1; minus strand). Cytogenetic location: 11q23.3.
Variant type: single nucleotide variant.
Coding change: c.2420G>C on transcript NM_006389.5 (MANE Select); coding-DNA position 2420, G replaced by C.
Protein change: p.Gly807Ala; replaces glycine 807 with alanine.
Molecular consequence: missense variant.
Genome position (GRCh38, 1-based): chr11:119,048,037, C>G on the plus strand (G>C on the coding strand, the complement: HYOU1 is on the minus strand). VCF-style: chr11-119048037-C-G. GRCh37 (hg19) VCF-style: chr11-118918749-C-G.
Other names: c.2420G>C, p.Gly807Ala (NM_001130991.3); short protein forms G807A.
Identifiers: ClinVar variation 1355799 (VCV001355799.8), dbSNP rs782022892, ClinGen allele CA382924355.